The following is an entry in ClinVar:

NM_014639.4(SKIC3):c.509del (p.Ser170fs)

Gene: SKIC3 (SKI3 subunit of superkiller complex; minus strand). Cytogenetic location: 5q15.
Variant type: Deletion.
Coding change: c.509del on transcript NM_014639.4 (MANE Select); coding-DNA position 509, one base deleted (G; older notation c.509delG).
Protein change: p.Ser170fs; shifts the reading frame from serine 170.
Molecular consequence: frameshift variant.
Genome position (GRCh38, 1-based): chr5:95,540,724, C deleted on the plus strand (G on the coding strand, the reverse complement: SKIC3 is on the minus strand). VCF-style (leftmost placement, unchanged base first): chr5-95540723-AC-A. GRCh37 (hg19) VCF-style: chr5-94876427-AC-A.
Other names: short protein forms S170fs.
Identifiers: ClinVar variation 4880123 (VCV004880123.1).

ClinVar aggregate classification (germline): Likely pathogenic (1 of 4 stars; one submission).

Conditions:
Primary ciliary dyskinesia. Also called: Ciliary dyskinesia. Identifiers: Orphanet 244, MedGen C0008780, MONDO:0016575, HP:0012265.

Submission:

Department of Human Genetics, Hannover Medical School
Classification: Likely pathogenic for Primary Ciliary Dyskinesia. Last evaluated: 2026-04-01. Review status: criteria provided, single submitter. Criteria: ACMG Guidelines, 2015. Collection method: research. Allele origin: germline. Affected: no.
Comment: Classification performed by HerediClassify using the following criteria:['PM2_supporting: Variant occures does not occur as homozygous in gnomAD.', 'PVS1_protein_very_strong: Transcript ENST00000358746 is predicted to undergo NMD.']